The following is an entry in ClinVar:

NM_001042492.3(NF1):c.2061A>C (p.Leu687=)

Gene: NF1 (neurofibromin 1; plus strand). Cytogenetic location: 17q11.2.
Variant type: single nucleotide variant.
Coding change: c.2061A>C on transcript NM_001042492.3 (MANE Select); coding-DNA position 2061, A replaced by C.
Protein change: p.Leu687=; no amino-acid change (leucine 687 retained).
Molecular consequence: synonymous variant.
Genome position (GRCh38, 1-based): chr17:31,226,494, A>C. VCF-style: chr17-31226494-A-C. GRCh37 (hg19) VCF-style: chr17-29553512-A-C.
Other names: c.2061A>C, p.Leu687= (NM_000267.4).
Identifiers: ClinVar variation 820628 (VCV000820628.12), dbSNP rs143671377, ClinGen allele CA8485914.
Genomic context (GRCh38, chr17:31,226,494, plus strand): 5'-GGATAGTGCAGCAGGATGCAGCGGAACCCCCCCGATTTGCCGACAAGCCCAGACCAAACT[A>C]GAAGTGGCCCTGTACATGTTTCTGTGGAACCCTGACACTGAAGCTGTTCTGGTTGCCATG-3'
Protein context (NP_001035957.1, residues 677-697): PPICRQAQTK[Leu687=]EVALYMFLWN

ClinVar aggregate classification (germline): Benign/Likely benign. Review status: criteria provided, multiple submitters, no conflicts (2 of 4 stars). 4 submissions from 4 submitters: Benign (1); Likely benign (3). Last evaluated 2026-09-23.

Conditions:
Neurofibromatosis, type 1 (NF1). Also called: Neurofibromatosis, type I; Peripheral type neurofibromatosis; VON RECKLINGHAUSEN DISEASE; NEUROFIBROMATOSIS, TYPE I, SOMATIC. Identifiers: Orphanet 636, MedGen C0027831, MONDO:0018975, OMIM 162200. Disease mechanism: loss of function.
Cardiovascular phenotype. Identifiers: MedGen CN230736.
Hereditary cancer-predisposing syndrome. Also called: Hereditary neoplastic syndrome; Neoplastic Syndromes, Hereditary; Tumor predisposition; Hereditary Cancer Syndrome. Identifiers: Orphanet 140162, MedGen C0027672, MeSH D009386, MONDO:0015356.

gnomAD v4.1: 3 of 1,613,910 alleles (0.00019%); highest among the groups gnomAD compares: Admixed American, 0.0033%; no homozygotes.

Submissions (4):

Myriad Genetics, Inc.
Classification: Benign for Neurofibromatosis, type 1. Last evaluated: 2026-09-23. Review status: criteria provided, single submitter. Criteria: Myriad Autosomal Dominant, Autosomal Recessive and X-Linked Classification Criteria (2023). Collection method: clinical testing. Allele origin: unknown.
Comment: This variant is considered benign. This variant is a silent/synonymous amino acid change and it is not expected to impact splicing.

Labcorp Genetics (formerly Invitae), Labcorp
Classification: Likely benign for Neurofibromatosis, type 1. Last evaluated: 2025-04-22. Review status: criteria provided, single submitter. Criteria: Invitae Variant Classification Sherloc (09022015). Collection method: clinical testing. Allele origin: germline.

Genome-Nilou Lab
Classification: Likely benign for Neurofibromatosis, type 1. Last evaluated: 2022-03-15. Review status: criteria provided, single submitter. Criteria: ACMG Guidelines, 2015. Collection method: clinical testing. Allele origin: germline. Affected: no.

Ambry Genetics
Classification: Likely benign for Cardiovascular phenotype; Hereditary cancer-predisposing syndrome. Last evaluated: 2018-05-21. Review status: criteria provided, single submitter. Criteria: Ambry Variant Classification Scheme 2023. Collection method: clinical testing. Allele origin: germline.